The following is an entry in ClinVar:

ClinVar aggregate classification (germline): Uncertain significance. Review status: criteria provided, multiple submitters, no conflicts (2 of 4 stars). 2 submissions from 2 submitters: Uncertain significance (2). Last evaluated 2025-06-23.

Allele frequency attached by ClinVar (database versions not stated): gnomAD exomes 0.00001 and below 0.00001; TOPMed 0.00002; ExAC 0.00001; gnomAD 0.00002 and 0.00001; ESP Exome Variant Server 0.00008.
gnomAD v4.1: 12 of 1,613,892 alleles (0.00074%); highest among the groups gnomAD compares: African/African-American, 0.0013%; no homozygotes.

Submissions (2):

Labcorp Genetics (formerly Invitae), Labcorp
Classification: Uncertain significance. Last evaluated: 2025-06-23. Review status: criteria provided, single submitter. Criteria: Invitae Variant Classification Sherloc (09022015). Collection method: clinical testing. Allele origin: germline.
Comment: This sequence change creates a premature translational stop signal (p.Ser229*) in the SAMD9 gene. While this is not anticipated to result in nonsense mediated decay, it is expected to disrupt the last 1361 amino acid(s) of the SAMD9 protein. This variant is present in population databases (rs147146654, gnomAD 0.0009%). This variant has not been reported in the literature in individuals affected with SAMD9-related conditions. ClinVar contains an entry for this variant (Variation ID: 1424762). Experimental studies and prediction algorithms are not available or were not evaluated, and the functional significance of this variant is currently unknown. In summary, the available evidence is currently insufficient to determine the role of this variant in disease. Therefore, it has been classified as a Variant of Uncertain Significance.

GeneDx
Classification: Uncertain significance. Last evaluated: 2024-10-03. Review status: criteria provided, single submitter. Criteria: GeneDx Variant Classification Process June 2021. Collection method: clinical testing. Allele origin: germline. Affected: yes.
Comment: Has not been previously published as pathogenic or benign to our knowledge; Not observed at significant frequency in large population cohorts (gnomAD); Nonsense variant predicted to result in protein truncation as the last 1361 amino acid(s) are lost with an unclear effect on protein function; This variant is associated with the following publications: (PMID: 28545555)

NM_017654.4(SAMD9):c.686C>A (p.Ser229Ter)

Gene: SAMD9 (sterile alpha motif domain containing 9; minus strand). Cytogenetic location: 7q21.2.
Variant type: single nucleotide variant.
Coding change: c.686C>A on transcript NM_017654.4 (MANE Select); coding-DNA position 686, C replaced by A.
Protein change: p.Ser229Ter; replaces serine 229 with a stop codon.
Molecular consequence: nonsense.
Genome position (GRCh38, 1-based): chr7:93,105,412, G>T on the plus strand (C>A on the coding strand, the complement: SAMD9 is on the minus strand). VCF-style: chr7-93105412-G-T. GRCh37 (hg19) VCF-style: chr7-92734725-G-T.
Other names: c.686C>A (NM_017654.3); c.686C>A, p.Ser229Ter (NM_001193307.2); short protein forms S229*.
Identifiers: ClinVar variation 1424762 (VCV001424762.7), dbSNP rs147146654, ClinGen allele CA4343092.